The following is an entry in ClinVar:

ClinVar aggregate classification (germline): Likely benign (0 of 4 stars; one submission).

Conditions:
ADCY3-related disorder. Also called: ADCY3-related condition.

gnomAD v4.1: 6 of 1,614,206 alleles (0.00037%); highest among the groups gnomAD compares: South Asian, 0.0011%; no homozygotes.

Submission:

PreventionGenetics, part of Exact Sciences
Classification: Likely benign for ADCY3-related condition. Last evaluated: 2023-11-22. Review status: no assertion criteria provided. Collection method: clinical testing. Allele origin: germline.
Comment: This variant is classified as likely benign based on ACMG/AMP sequence variant interpretation guidelines (Richards et al. 2015 PMID: 25741868, with internal and published modifications).

NM_004036.5(ADCY3):c.2391C>T (p.Pro797=)

Gene: ADCY3 (adenylate cyclase 3; minus strand). Cytogenetic location: 2p23.3.
Variant type: single nucleotide variant.
Coding change: c.2391C>T on transcript NM_004036.5 (MANE Select); coding-DNA position 2391, C replaced by T.
Protein change: p.Pro797=; no amino-acid change (proline 797 retained).
Molecular consequence: synonymous variant. On other transcripts: intron variant (1).
Genome position (GRCh38, 1-based): chr2:24,827,943, G>A on the plus strand (C>T on the coding strand, the complement: ADCY3 is on the minus strand). VCF-style: chr2-24827943-G-A. GRCh37 (hg19) VCF-style: chr2-25050812-G-A.
Other names: c.2391C>T, p.Pro797= (NM_001320613.2, NM_001377132.1); c.2457C>T, p.Pro819= (NM_001377128.1); c.2253C>T, p.Pro751= (NM_001377129.1); c.1668C>T, p.Pro556= (NM_001377131.1); c.2172+2766C>T (NM_001377130.1).
Identifiers: ClinVar variation 3351138 (VCV003351138.1).